The following is an entry in ClinVar:

NM_015378.4(VPS13D):c.8068C>T (p.Arg2690Ter)

Gene: VPS13D (vacuolar protein sorting 13 homolog D; plus strand). Cytogenetic location: 1p36.22.
Variant type: single nucleotide variant.
Coding change: c.8068C>T on transcript NM_015378.4 (MANE Select); coding-DNA position 8068, C replaced by T.
Protein change: p.Arg2690Ter; replaces arginine 2690 with a stop codon.
Molecular consequence: nonsense.
Genome position (GRCh38, 1-based): chr1:12,327,725, C>T. VCF-style: chr1-12327725-C-T. GRCh37 (hg19) VCF-style: chr1-12387782-C-T.
Other names: c.8068C>T, p.Arg2690Ter (NM_018156.4); short protein forms R2690*.
Identifiers: ClinVar variation 2804508 (VCV002804508.3), dbSNP rs1643227639, ClinGen allele CA338485201.

ClinVar aggregate classification (germline): Pathogenic (1 of 4 stars; one submission).

Allele frequency attached by ClinVar (database versions not stated): gnomAD exomes below 0.00001; TOPMed below 0.00001; gnomAD 0.00001.
gnomAD v4.1: 2 of 1,614,032 alleles (0.00012%); highest among the groups gnomAD compares: African/African-American, 0.0013%; no homozygotes.

Submission:

Labcorp Genetics (formerly Invitae), Labcorp
Classification: Pathogenic. Last evaluated: 2023-04-14. Review status: criteria provided, single submitter. Criteria: Invitae Variant Classification Sherloc (09022015). Collection method: clinical testing. Allele origin: germline.
Comment: For these reasons, this variant has been classified as Pathogenic. This variant has not been reported in the literature in individuals affected with VPS13D-related conditions. This variant is not present in population databases (gnomAD no frequency). This sequence change creates a premature translational stop signal (p.Arg2690*) in the VPS13D gene. It is expected to result in an absent or disrupted protein product. Loss-of-function variants in VPS13D are known to be pathogenic (PMID: 29518281).

Literature cited by the submitters: PubMed 29518281.